The following is an entry in ClinVar:

NM_004407.4(DMP1):c.196C>T (p.Pro66Ser)

Genes: DMP1 (dentin matrix acidic phosphoprotein 1; plus strand), DMP1-AS1 (DMP1 and DSPP antisense RNA 1; minus strand). Cytogenetic location: 4q22.1.
Variant type: single nucleotide variant.
Coding change: c.196C>T on transcript NM_004407.4 (MANE Select); coding-DNA position 196, C replaced by T.
Protein change: p.Pro66Ser; replaces proline 66 with serine.
Molecular consequence: missense variant.
Genome position (GRCh38, 1-based): chr4:87,661,974, C>T. VCF-style: chr4-87661974-C-T. GRCh37 (hg19) VCF-style: chr4-88583126-C-T.
Other names: c.196C>T (NM_004407.3); c.148C>T, p.Pro50Ser (NM_001079911.3); short protein forms P50S, P66S.
Identifiers: ClinVar variation 2168498 (VCV002168498.2), dbSNP rs765015447, ClinGen allele CA3001987.

ClinVar aggregate classification (germline): Uncertain significance. Review status: criteria provided, multiple submitters, no conflicts (2 of 4 stars). 2 submissions from 2 submitters: Uncertain significance (2). Last evaluated 2024-11-09.

Conditions:
Inborn genetic diseases. Identifiers: MedGen C0950123, MeSH D030342.

Allele frequency attached by ClinVar (database versions not stated): gnomAD exomes below 0.00001; gnomAD 0.00001; ExAC 0.00002; TOPMed 0.00003.
gnomAD v4.1: 10 of 1,613,926 alleles (0.00062%); highest among the groups gnomAD compares: Admixed American, 0.015%; no homozygotes.

Submissions (2):

Ambry Genetics
Classification: Uncertain significance for Inborn genetic diseases. Last evaluated: 2024-11-09. Review status: criteria provided, single submitter. Criteria: Ambry Variant Classification Scheme 2023. Collection method: clinical testing. Allele origin: germline.

Labcorp Genetics (formerly Invitae), Labcorp
Classification: Uncertain significance. Last evaluated: 2022-07-03. Review status: criteria provided, single submitter. Criteria: Invitae Variant Classification Sherloc (09022015). Collection method: clinical testing. Allele origin: germline.
Comment: This sequence change replaces proline, which is neutral and non-polar, with serine, which is neutral and polar, at codon 66 of the DMP1 protein (p.Pro66Ser). This variant is present in population databases (rs765015447, gnomAD 0.02%). This variant has not been reported in the literature in individuals affected with DMP1-related conditions. Algorithms developed to predict the effect of missense changes on protein structure and function output the following: SIFT: "Tolerated"; PolyPhen-2: "Benign"; Align-GVGD: "Class C0". The serine amino acid residue is found in multiple mammalian species, which suggests that this missense change does not adversely affect protein function. In summary, the available evidence is currently insufficient to determine the role of this variant in disease. Therefore, it has been classified as a Variant of Uncertain Significance.